The following is an entry in ClinVar:

NM_000836.4(GRIN2D):c.800G>A (p.Gly267Glu)

Gene: GRIN2D (glutamate ionotropic receptor NMDA type subunit 2D; plus strand). Cytogenetic location: 19q13.33.
Variant type: single nucleotide variant.
Coding change: c.800G>A on transcript NM_000836.4 (MANE Select); coding-DNA position 800, G replaced by A.
Protein change: p.Gly267Glu; replaces glycine 267 with glutamic acid.
Molecular consequence: missense variant.
Genome position (GRCh38, 1-based): chr19:48,405,068, G>A. VCF-style: chr19-48405068-G-A. GRCh37 (hg19) VCF-style: chr19-48908325-G-A.
Other names: short protein forms G267E.
Identifiers: ClinVar variation 1346930 (VCV001346930.8), dbSNP rs1168169606, ClinGen allele CA406692357.

ClinVar aggregate classification (germline): Uncertain significance (1 of 4 stars; one submission).

Allele frequency attached by ClinVar (database versions not stated): gnomAD exomes below 0.00001; TOPMed below 0.00001.
gnomAD v4.1: 1 of 1,605,490 alleles (0.000062%); highest among the groups gnomAD compares: South Asian, 0.0011%; no homozygotes.

Submission:

Labcorp Genetics (formerly Invitae), Labcorp
Classification: Uncertain significance. Last evaluated: 2021-04-20. Review status: criteria provided, single submitter. Criteria: Invitae Variant Classification Sherloc (09022015). Collection method: clinical testing. Allele origin: germline.
Comment: In summary, the available evidence is currently insufficient to determine the role of this variant in disease. Therefore, it has been classified as a Variant of Uncertain Significance. Advanced modeling of protein sequence and biophysical properties (such as structural, functional, and spatial information, amino acid conservation, physicochemical variation, residue mobility, and thermodynamic stability) performed at Invitae indicates that this missense variant is expected to disrupt GRIN2D protein function. This variant has not been reported in the literature in individuals with GRIN2D-related conditions. This variant is not present in population databases (ExAC no frequency). This sequence change replaces glycine with glutamic acid at codon 267 of the GRIN2D protein (p.Gly267Glu). The glycine residue is highly conserved and there is a moderate physicochemical difference between glycine and glutamic acid.